The following is an entry in ClinVar:

NM_000047.3(ARSL):c.1461G>C (p.Glu487Asp)

Gene: ARSL (arylsulfatase L; minus strand). Cytogenetic location: Xp22.33.
Variant type: single nucleotide variant.
Coding change: c.1461G>C on transcript NM_000047.3 (MANE Select); coding-DNA position 1461, G replaced by C.
Protein change: p.Glu487Asp; replaces glutamic acid 487 with aspartic acid.
Molecular consequence: missense variant.
Genome position (GRCh38, 1-based): chrX:2,935,141, C>G on the plus strand (G>C on the coding strand, the complement: ARSL is on the minus strand). VCF-style: chrX-2935141-C-G. GRCh37 (hg19) VCF-style: chrX-2853182-C-G.
Other names: c.1536G>C, p.Glu512Asp (NM_001282628.2, NM_001369080.1); c.1299G>C, p.Glu433Asp (NM_001282631.2); c.1488G>C, p.Glu496Asp (NM_001369079.1); short protein forms E433D, E487D, E496D, E512D.
Identifiers: ClinVar variation 2827682 (VCV002827682.3), dbSNP rs993209695, ClinGen allele CA412275775.

ClinVar aggregate classification (germline): Uncertain significance (1 of 4 stars; one submission).

Conditions:
Chondrodysplasia punctata, brachytelephalangic, autosomal. Also called: BRACHYTELEPHALANGIC CHONDRODYSPLASIA PUNCTATA. Identifiers: MedGen C1844853, MONDO:0011238, OMIM 602497.

Submission:

Labcorp Genetics (formerly Invitae), Labcorp
Classification: Uncertain significance for Chondrodysplasia punctata, brachytelephalangic, autosomal. Last evaluated: 2023-06-13. Review status: criteria provided, single submitter. Criteria: Invitae Variant Classification Sherloc (09022015). Collection method: clinical testing. Allele origin: germline.
Comment: In summary, the available evidence is currently insufficient to determine the role of this variant in disease. Therefore, it has been classified as a Variant of Uncertain Significance. Algorithms developed to predict the effect of missense changes on protein structure and function output the following: SIFT: "Not Available"; PolyPhen-2: "Benign"; Align-GVGD: "Not Available". The aspartic acid amino acid residue is found in multiple mammalian species, which suggests that this missense change does not adversely affect protein function. This sequence change replaces glutamic acid, which is acidic and polar, with aspartic acid, which is acidic and polar, at codon 487 of the ARSE protein (p.Glu487Asp). This variant is not present in population databases (gnomAD no frequency). This variant has not been reported in the literature in individuals affected with ARSE-related conditions.